The following is an entry in ClinVar:

ClinVar aggregate classification (germline): Uncertain significance (1 of 4 stars; one submission).

Conditions:
Neurodevelopmental disorder with dysmorphic facies and thin corpus callosum. Identifiers: MedGen C5551361, MONDO:0859179, OMIM 619480.

Allele frequency attached by ClinVar (database versions not stated): gnomAD exomes below 0.00001.
gnomAD v4.1: 1 of 1,608,330 alleles (0.000062%); highest among the groups gnomAD compares: Non-Finnish European, 0.000085%; no homozygotes.

Submission:

Victorian Clinical Genetics Services, Murdoch Childrens Research Institute
Classification: Uncertain significance for Neurodevelopmental disorder with dysmorphic facies and thin corpus callosum. Last evaluated: 2023-07-17. Review status: criteria provided, single submitter. Criteria: ACMG Guidelines, 2015. Collection method: clinical testing. Allele origin: germline. Inheritance: Autosomal dominant inheritance. Affected: yes.
Comment: Based on the classification scheme VCGS_Germline_v1.3.4, this variant is classified as VUS-3A. Following criteria are met: 0105 - The mechanism of disease for this gene is not clearly established. Knockdown studies in Drosophila have suggested that loss of function is a mechanism of disease in this gene (PMID: 36255738). (I) 0107 - This gene is associated with autosomal dominant disease. (I) 0200 - Variant is predicted to result in a missense amino acid change from methionine to isoleucine. (I) 0251 - This variant is heterozygous. (I) 0301 - Variant is absent from gnomAD (both v2 and v3). (SP) 0503 - Missense variant consistently predicted to be tolerated by multiple in silico tools, including SpliceAI, or not conserved in placental mammals with a minor amino acid change. (SB) 0603 - Missense variant in a region that is highly intolerant to missense variation (high constraint region in DECIPHER). (SP) 0705 - No comparable missense variants have previous evidence for pathogenicity. (I) 0807 - This variant has no previous evidence of pathogenicity. (I) 0905 - No published segregation evidence has been identified for this variant. (I) 1007 - No published functional evidence has been identified for this variant. (I) 1207 - Parental origin of the variant is unresolved. (I) Legend: (SP) - Supporting pathogenic, (I) - Information, (SB) - Supporting benign

Literature cited by the submitters: PubMed 36255738.

NM_007192.4(SUPT16H):c.2304G>A (p.Met768Ile)

Gene: SUPT16H (SPT16 homolog, facilitates chromatin remodeling subunit; minus strand). Cytogenetic location: 14q11.2.
Variant type: single nucleotide variant.
Coding change: c.2304G>A on transcript NM_007192.4 (MANE Select); coding-DNA position 2304, G replaced by A.
Protein change: p.Met768Ile; replaces methionine 768 with isoleucine.
Molecular consequence: missense variant.
Genome position (GRCh38, 1-based): chr14:21,358,425, C>T on the plus strand (G>A on the coding strand, the complement: SUPT16H is on the minus strand). VCF-style: chr14-21358425-C-T. GRCh37 (hg19) VCF-style: chr14-21826584-C-T.
Other names: short protein forms M768I.
Identifiers: ClinVar variation 3254714 (VCV003254714.1), dbSNP rs2503023150.